The following is an entry in ClinVar:

NM_001256715.2(DNAAF3):c.664-2_681dup

Genes: DNAAF3 (dynein axonemal assembly factor 3; minus strand), DNAAF3-AS1 (DNAAF3 antisense RNA 1; plus strand). Cytogenetic location: 19q13.42.
Variant type: Duplication.
Coding change: c.664-2_681dup on transcript NM_001256715.2 (MANE Select); the canonical splice acceptor site of the intron before coding-DNA position 664 through coding-DNA position 681, 20 bases duplicated (AGGCTCAAGTCATTCACCCC).
Molecular consequence: splice acceptor variant.
Genome position (GRCh38, 1-based): chr19:55,161,401-55,161,420, GGGGTGAATGACTTGAGCCT duplicated on the plus strand (AGGCTCAAGTCATTCACCCC on the coding strand, the reverse complement: DNAAF3 is on the minus strand); duplicating any 20 consecutive bases within chr19:55,161,401-55,161,426 gives the same sequence; the c. name uses the placement nearest the transcript's 3' end. VCF-style (leftmost placement, unchanged base first): chr19-55161400-G-GGGGGTGAATGACTTGAGCCT. GRCh37 (hg19) VCF-style: chr19-55672768-G-GGGGGTGAATGACTTGAGCCT.
Other names: c.805-2_822dup (NM_178837.4); c.868-2_885dup (NM_001256714.1); c.502-2_519dup (NM_001256716.2).
Identifiers: ClinVar variation 2748894 (VCV002748894.3), dbSNP rs2515523815, ClinGen allele CA2587246089.
Genomic context (GRCh38, chr19:55,161,400, plus strand): 5'-AGGCGCTGGAGTCCCTGAGTTCAAAGGCGACGCCTGTGTCCCGCCAGCGTCGGAACTCCT[G>GGGGGTGAATGACTTGAGCCT]GGGGTGAATGACTTGAGCCTGGGGTGGGGGGCGGGAAGAAGGGAGCCCTCAGTGAACCGA-3'

ClinVar aggregate classification (germline): Uncertain significance (1 of 4 stars; one submission).

Conditions:
Primary ciliary dyskinesia. Also called: Ciliary dyskinesia. Identifiers: Orphanet 244, MedGen C0008780, MONDO:0016575, HP:0012265.

Submission:

Labcorp Genetics (formerly Invitae), Labcorp
Classification: Uncertain significance for Primary ciliary dyskinesia. Last evaluated: 2023-05-29. Review status: criteria provided, single submitter. Criteria: Invitae Variant Classification Sherloc (09022015). Collection method: clinical testing. Allele origin: germline.
Comment: In summary, the available evidence is currently insufficient to determine the role of this variant in disease. Therefore, it has been classified as a Variant of Uncertain Significance. This variant has been observed in individual(s) with primary ciliary dyskinesia (Invitae). This variant is not present in population databases (gnomAD no frequency). This sequence change falls in intron 6 of the DNAAF3 gene. It does not directly change the encoded amino acid sequence of the DNAAF3 protein.